The following is an entry in ClinVar:

ClinVar aggregate classification (germline): Uncertain significance. Review status: criteria provided, multiple submitters, no conflicts (2 of 4 stars). 2 submissions from 2 submitters: Uncertain significance (2). Last evaluated 2025-07-14.

Conditions:
RP1L1-related disorder. Also called: RP1L1-related condition.
Inborn genetic diseases. Identifiers: MedGen C0950123, MeSH D030342.

Allele frequency attached by ClinVar (database versions not stated): gnomAD 0.00003; TOPMed 0.00003; 1000 Genomes Project 30x 0.00016; 1000 Genomes Project 0.00020.
gnomAD v4.1: 68 of 1,613,906 alleles (0.0042%); highest among the groups gnomAD compares: Admixed American, 0.005%; no homozygotes.

Submissions (2):

PreventionGenetics, part of Exact Sciences
Classification: Uncertain significance for RP1L1-related condition. Last evaluated: 2025-07-14. Review status: criteria provided, single submitter. Criteria: ACMG Guidelines, 2015. Collection method: clinical testing. Allele origin: germline.
Comment: The RP1L1 c.2075G>A variant is predicted to result in the amino acid substitution p.Arg692Gln. To our knowledge, this variant has not been reported in the literature. This variant is reported in 0.012% of alleles in individuals of European (Non-Finnish) descent in gnomAD. An alternate substitution of this amino acid residue p.(Arg692Trp) has been reported in the heterozygous state in an individual with inherited retinal disease (Supplemental Tables 4 and 6, Panneman et al. 2023. PubMed ID: 36819107). At this time, the clinical significance of this variant is uncertain due to the absence of conclusive functional and genetic evidence.

Ambry Genetics
Classification: Uncertain significance for Inborn genetic diseases. Last evaluated: 2022-03-03. Review status: criteria provided, single submitter. Criteria: Ambry Variant Classification Scheme 2023. Collection method: clinical testing. Allele origin: germline.

NM_178857.6(RP1L1):c.2075G>A (p.Arg692Gln)

Gene: RP1L1 (RP1 like 1). Cytogenetic location: 8p23.1.
Variant type: single nucleotide variant.
Coding change: c.2075G>A on transcript NM_178857.6 (MANE Select); coding-DNA position 2075, G replaced by A.
Protein change: p.Arg692Gln; replaces arginine 692 with glutamine.
Molecular consequence: missense variant.
Genome position (GRCh38, 1-based): chr8:10,612,023, C>T on the plus strand (G>A on the coding strand, the complement: RP1L1 is on the minus strand). VCF-style: chr8-10612023-C-T. GRCh37 (hg19) VCF-style: chr8-10469533-C-T.
Other names: short protein forms R692Q.
Identifiers: ClinVar variation 3155811 (VCV003155811.2), dbSNP rs142446035, ClinGen allele CA4624947.